The following is an entry in ClinVar:

ClinVar aggregate classification (germline): Uncertain significance (1 of 4 stars; one submission).

gnomAD v4.1: 1 of 1,613,780 alleles (0.000062%); highest among the groups gnomAD compares: Non-Finnish European, 0.000085%; no homozygotes.

Submission:

Dasa
Classification: Uncertain significance. Last evaluated: 2026-08-11. Review status: criteria provided, single submitter. Criteria: DASA Assertion Criteria. Collection method: clinical testing. Allele origin: germline.
Comment: NM_001036.6(RYR3):c.5908G>A (p.Glu1970Lys) is a missense variant that results in the substitution of glutamic acid with lysine. This variant is rare in population databases. Computational prediction algorithms are consistent with a deleterious effect. The currently available literature and clinical evidence are not sufficient to establish a definitive association between this variant and the reported condition. Therefore, this variant is classified as a variant of uncertain significance.

NM_001036.6(RYR3):c.5908G>A (p.Glu1970Lys)

Gene: RYR3 (ryanodine receptor 3; plus strand). Cytogenetic location: 15q14.
Variant type: single nucleotide variant.
Coding change: c.5908G>A on transcript NM_001036.6 (MANE Select); coding-DNA position 5908, G replaced by A.
Protein change: p.Glu1970Lys; replaces glutamic acid 1970 with lysine.
Molecular consequence: missense variant.
Genome position (GRCh38, 1-based): chr15:33,696,265, G>A. VCF-style: chr15-33696265-G-A. GRCh37 (hg19) VCF-style: chr15-33988466-G-A.
Other names: c.5908G>A, p.Glu1970Lys (NM_001243996.4); short protein forms E1970K.
Identifiers: ClinVar variation 5020189 (VCV005020189.1).